The following is an entry in ClinVar:

NM_000501.4(ELN):c.71C>T (p.Ser24Phe)

Gene: ELN (elastin; plus strand). Cytogenetic location: 7q11.23.
Variant type: single nucleotide variant.
Coding change: c.71C>T on transcript NM_000501.4 (MANE Select); coding-DNA position 71, C replaced by T.
Protein change: p.Ser24Phe; replaces serine 24 with phenylalanine.
Molecular consequence: missense variant.
Genome position (GRCh38, 1-based): chr7:74,028,258, C>T. VCF-style: chr7-74028258-C-T. GRCh37 (hg19) VCF-style: chr7-73442588-C-T.
Other names: c.71C>T, p.Ser24Phe (NM_001278914.2, NM_001278915.2, NM_001278916.2 and 9 more transcripts); short protein forms S24F.
Identifiers: ClinVar variation 4857004 (VCV004857004.1).

ClinVar aggregate classification (germline): Likely pathogenic (1 of 4 stars; one submission).

Conditions:
Supravalvar aortic stenosis (SVAS). Also called: Supravalvar aortic stenosis, Eisenberg type. Identifiers: Orphanet 3193, MedGen C0003499, MONDO:0008504, OMIM 185500, HP:0004381.

Submission:

Center for Human Genetics and Genomic Medicine, Uniklinik Rwth Aachen
Classification: Likely pathogenic for Supravalvar aortic stenosis. Last evaluated: 2026-03-11. Review status: criteria provided, single submitter. Criteria: ACMG Guidelines, 2015. Collection method: clinical testing. Allele origin: maternal. Inheritance: Autosomal dominant inheritance. Affected: yes. Observed: 1 variant allele, 1 heterozygote.
Comment: To date, this variant has not been reported in the literature or in the ClinVar database. In the general population (gnomAD v4.1.0), it has not yet been detected (PM2_sup). The diagnostic yield for SVAS is highest for the ELN gene (Stephens et al.). (PP4_mod) In the majority of cases, loss-of-function variants in the ELN gene are reported as pathogenic; however, pathogenic missense variants have also been described (Zhou et al.).

Literature cited by the submitters: PubMed 38591341; PubMed 36518217.